The following is an entry in ClinVar:

ClinVar aggregate classification (germline): Pathogenic (1 of 4 stars; one submission).

Submission:

GeneDx
Classification: Pathogenic. Last evaluated: 2025-10-31. Review status: criteria provided, single submitter. Criteria: GeneDx Variant Classification Process June 2021. Collection method: clinical testing. Allele origin: germline.
Comment: Nonsense variant predicted to result in protein truncation or nonsense mediated decay in a gene for which loss of function is a known mechanism of disease; Not observed at significant frequency in large population cohorts (gnomAD); Has not been previously published as pathogenic or benign to our knowledge

NM_001429.4(EP300):c.2164C>T (p.Gln722Ter)

Gene: EP300 (EP300 lysine acetyltransferase; plus strand). Cytogenetic location: 22q13.2.
Variant type: single nucleotide variant.
Coding change: c.2164C>T on transcript NM_001429.4 (MANE Select); coding-DNA position 2164, C replaced by T.
Protein change: p.Gln722Ter; replaces glutamine 722 with a stop codon.
Molecular consequence: nonsense.
Genome position (GRCh38, 1-based): chr22:41,147,869, C>T. VCF-style: chr22-41147869-C-T. GRCh37 (hg19) VCF-style: chr22-41543873-C-T.
Other names: c.2086C>T, p.Gln696Ter (NM_001362843.2); short protein forms Q696*, Q722*.
Identifiers: ClinVar variation 3390622 (VCV003390622.2).